The following is an entry in ClinVar:

NM_006031.6(PCNT):c.9797G>A (p.Gly3266Asp)

Gene: PCNT (pericentrin; plus strand). Cytogenetic location: 21q22.3.
Variant type: single nucleotide variant.
Coding change: c.9797G>A on transcript NM_006031.6 (MANE Select); coding-DNA position 9797, G replaced by A.
Protein change: p.Gly3266Asp; replaces glycine 3266 with aspartic acid.
Molecular consequence: missense variant.
Genome position (GRCh38, 1-based): chr21:46,443,906, G>A. VCF-style: chr21-46443906-G-A. GRCh37 (hg19) VCF-style: chr21-47863819-G-A.
Other names: c.9206G>A, p.Gly3069Asp (NM_001315529.2); short protein forms G3069D, G3266D.
Identifiers: ClinVar variation 4992813 (VCV004992813.1).

ClinVar aggregate classification (germline): Uncertain significance (1 of 4 stars; one submission).

Conditions:
PCNT-related disorder. Also called: PCNT-related condition.

gnomAD v4.1: 1 of 1,612,726 alleles (0.000062%); highest among the groups gnomAD compares: Non-Finnish European, 0.000085%; no homozygotes.

Submission:

PreventionGenetics, part of Exact Sciences
Classification: Uncertain significance for PCNT-related condition. Last evaluated: 2025-11-19. Review status: criteria provided, single submitter. Criteria: ACMG Guidelines, 2015. Collection method: clinical testing. Allele origin: germline.
Comment: The PCNT c.9797G>A variant is predicted to result in the amino acid substitution p.Gly3266Asp. To our knowledge, this variant has not been reported in the literature or in a large population database (gnomAD), indicating this variant is rare. At this time, the clinical significance of this variant is uncertain due to the absence of conclusive functional and genetic evidence.